The following is an entry in ClinVar:

ClinVar aggregate classification (germline): Uncertain significance (1 of 4 stars; one submission).

Conditions:
DYRK1B-related disorder. Also called: DYRK1B-related condition.

Allele frequency attached by ClinVar (database versions not stated): gnomAD 0.00001; gnomAD exomes 0.00001; TOPMed 0.00001; ExAC 0.00002.
gnomAD v4.1: 11 of 1,614,060 alleles (0.00068%); highest among the groups gnomAD compares: Admixed American, 0.0067%; no homozygotes.

Submission:

PreventionGenetics, part of Exact Sciences
Classification: Uncertain significance for DYRK1B-related condition. Last evaluated: 2025-10-28. Review status: criteria provided, single submitter. Criteria: ACMG Guidelines, 2015. Collection method: clinical testing. Allele origin: germline.
Comment: The DYRK1B c.755G>A variant is predicted to result in the amino acid substitution p.Arg252His. This variant has been reported in several family members with abdominal obesity-metabolic syndrome 3 (AOMS3) and segregated with disease in the family (Mendoza-Caamal et al. 2021. PubMed ID: 34193236). Experimental studies have found no change in enzymatic activity in cells expressing p.Arg252His variant and no signs of increased protein aggregates, but protein localization was not investigated (Detro-Dassen et al. 2024. PubMed ID: 38867326). This variant is reported in 0.0098% of alleles in individuals of South Asian descent in gnomAD. Although we suspect that this variant may possibly be pathogenic, at this time its clinical significance is uncertain due to the absence of conclusive functional and genetic evidence.

NM_004714.3(DYRK1B):c.755G>A (p.Arg252His)

Gene: DYRK1B (dual specificity tyrosine phosphorylation regulated kinase 1B; minus strand). Cytogenetic location: 19q13.2.
Variant type: single nucleotide variant.
Coding change: c.755G>A on transcript NM_004714.3 (MANE Select); coding-DNA position 755, G replaced by A.
Protein change: p.Arg252His; replaces arginine 252 with histidine.
Molecular consequence: missense variant.
Genome position (GRCh38, 1-based): chr19:39,828,349, C>T on the plus strand (G>A on the coding strand, the complement: DYRK1B is on the minus strand). VCF-style: chr19-39828349-C-T. GRCh37 (hg19) VCF-style: chr19-40318989-C-T.
Other names: c.755G>A, p.Arg252His (NM_006483.3, NM_006484.3); short protein forms R252H.
Identifiers: ClinVar variation 3055121 (VCV003055121.3), dbSNP rs746933234, ClinGen allele CA9434227.
Genomic context (GRCh38, chr19:39,828,349, plus strand): 5'-CCCCCTACCCTCTGGCCAAGCTGGCAGGAGCTGCCGAAGTCCACAATCTTGATGGCGCTG[C>T]GCTTGGGGTTGCACAGCAAGATGTTTTCGGGCTTGAGGTCGCAGTGAATGATGCTGAGCT-3'
Protein context (NP_004705.1, residues 242-262): PENILLCNPK[Arg252His]SAIKIVDFGS